The following is an entry in ClinVar:

ClinVar aggregate classification (germline): Uncertain significance (0 of 4 stars; one submission).

Conditions:
Parkinsonian-pyramidal syndrome. Also called: PARKINSON DISEASE 15, AUTOSOMAL RECESSIVE; PALLIDOPYRAMIDAL SYNDROME; PARKINSON DISEASE 15, AUTOSOMAL RECESSIVE EARLY-ONSET. Identifiers: Orphanet 171695, MedGen C1850100, MONDO:0009830, OMIM 260300.

Submission:

Foundation for Research in Genetics and Endocrinology, FRIGE's Institute of Human Genetics
Classification: Uncertain significance for Parkinsonian-pyramidal syndrome. Last evaluated: 2017-08-07. Review status: no assertion criteria provided. Collection method: clinical testing. Allele origin: germline. Inheritance: Autosomal recessive inheritance. Affected: yes. Observed: 1 variant allele, 1 compound heterozygote.
Comment: The variant c.274G>C(p.Asp92His) has not been reported in the 1000 Genomes database and has minor allele frequency of 0.03% in ExAC database. The in silico prediction of the variant is damaging by Mutation Taster. The variant c.520T>A(p.Ser174Thr) has not been reported in 1000 Genomes and ExAC databases. The in silico predictions of the variant is benign by PolyPhen2, SIFT, LRT and MutationTaster2.

NM_012179.3(FBXO7):c.[274G>C];[520T>A]

Variant type: CompoundHeterozygote.
Identifiers: ClinVar variation 433544 (VCV000433544.2).